The following is an entry in ClinVar:

NM_000302.4(PLOD1):c.1419C>A (p.His473Gln)

Gene: PLOD1 (procollagen-lysine,2-oxoglutarate 5-dioxygenase 1; plus strand). Cytogenetic location: 1p36.22.
Variant type: single nucleotide variant.
Coding change: c.1419C>A on transcript NM_000302.4 (MANE Select); coding-DNA position 1419, C replaced by A.
Protein change: p.His473Gln; replaces histidine 473 with glutamine.
Molecular consequence: missense variant.
Genome position (GRCh38, 1-based): chr1:11,964,734, C>A. VCF-style: chr1-11964734-C-A. GRCh37 (hg19) VCF-style: chr1-12024791-C-A.
Other names: c.1560C>A, p.His520Gln (NM_001316320.2); short protein forms H473Q, H520Q.
Identifiers: ClinVar variation 1772193 (VCV001772193.2), dbSNP rs2522854349, ClinGen allele CA338443664.

ClinVar aggregate classification (germline): Uncertain significance (1 of 4 stars; one submission).

Conditions:
Familial thoracic aortic aneurysm and aortic dissection (TAAD). Also called: Thoracic aortic aneurysms and dissections. Identifiers: Orphanet 91387, MedGen C4707243, MONDO:0019625.

Allele frequency attached by ClinVar (database versions not stated): gnomAD exomes below 0.00001.
gnomAD v4.1: 1 of 1,613,742 alleles (0.000062%); highest among the groups gnomAD compares: Non-Finnish European, 0.000085%; no homozygotes.

Submission:

Ambry Genetics
Classification: Uncertain significance for Familial thoracic aortic aneurysm and aortic dissection. Last evaluated: 2018-08-25. Review status: criteria provided, single submitter. Criteria: Ambry Variant Classification Scheme 2023. Collection method: clinical testing. Allele origin: germline.
Comment: The p.H473Q variant (also known as c.1419C>A), located in coding exon 13 of the PLOD1 gene, results from a C to A substitution at nucleotide position 1419. The histidine at codon 473 is replaced by glutamine, an amino acid with highly similar properties. This amino acid position is not well conserved in available vertebrate species, and glutamine is the reference amino acid in other vertebrate species. In addition, this alteration is predicted to be tolerated by in silico analysis. Since supporting evidence is limited at this time, the clinical significance of this alteration remains unclear.